The following is an entry in ClinVar:

NM_013339.4(ALG6):c.656T>C (p.Phe219Ser)

Gene: ALG6 (ALG6 alpha-1,3-glucosyltransferase; plus strand). Cytogenetic location: 1p31.3.
Variant type: single nucleotide variant.
Coding change: c.656T>C on transcript NM_013339.4 (MANE Select); coding-DNA position 656, T replaced by C.
Protein change: p.Phe219Ser; replaces phenylalanine 219 with serine.
Molecular consequence: missense variant.
Genome position (GRCh38, 1-based): chr1:63,411,307, T>C. VCF-style: chr1-63411307-T-C. GRCh37 (hg19) VCF-style: chr1-63876978-T-C.
Other names: short protein forms F219S.
Identifiers: ClinVar variation 2158957 (VCV002158957.1), dbSNP rs768216435, ClinGen allele CA888212.
Genomic context (GRCh38, chr1:63,411,307, plus strand): 5'-ATAAACAGATGGAACTTTACCACGCCTTGCCATTTTTTTGCTTTTTACTTGGCAAGTGTT[T>C]TAAAAAAGGCCTCAAAGGAAAGGGGTGAGTGACTTTTAAACACTAGAATCCAAAAATTTA-3'
Protein context (NP_037471.2, residues 209-229): PFFCFLLGKC[Phe219Ser]KKGLKGKGFV

ClinVar aggregate classification (germline): Uncertain significance (1 of 4 stars; one submission).

Conditions:
ALG6-congenital disorder of glycosylation 1C (CDG1C). Also called: Congenital disorder of glycosylation, type Ic; CARBOHYDRATE-DEFICIENT GLYCOPROTEIN SYNDROME, TYPE I, WITH DEFICIENT GLYCOSYLATION OF DOLICHOL-LINKED OLIGOSACCHARIDE; CARBOHYDRATE-DEFICIENT GLYCOPROTEIN SYNDROME, TYPE V; Congenital disorder of glycosylation type 1C; CDG Ic. Identifiers: Orphanet 79320, MedGen C2930997, MONDO:0011291, OMIM 603147.

Allele frequency attached by ClinVar (database versions not stated): ExAC 0.00001; TOPMed 0.00002; gnomAD 0.00003.
gnomAD v4.1: 8 of 1,613,692 alleles (0.0005%); highest among the groups gnomAD compares: Admixed American, 0.0083%; no homozygotes.

Submission:

Labcorp Genetics (formerly Invitae), Labcorp
Classification: Uncertain significance for ALG6-congenital disorder of glycosylation 1C. Last evaluated: 2022-08-06. Review status: criteria provided, single submitter. Criteria: Invitae Variant Classification Sherloc (09022015). Collection method: clinical testing. Allele origin: germline.
Comment: This sequence change replaces phenylalanine, which is neutral and non-polar, with serine, which is neutral and polar, at codon 219 of the ALG6 protein (p.Phe219Ser). This variant is present in population databases (rs768216435, gnomAD 0.009%). This variant has not been reported in the literature in individuals affected with ALG6-related conditions. Algorithms developed to predict the effect of missense changes on protein structure and function are either unavailable or do not agree on the potential impact of this missense change (SIFT: "Deleterious"; PolyPhen-2: "Benign"; Align-GVGD: "Class C25"). In summary, the available evidence is currently insufficient to determine the role of this variant in disease. Therefore, it has been classified as a Variant of Uncertain Significance.